The following is an entry in ClinVar:

ClinVar aggregate classification (germline): Uncertain significance (1 of 4 stars; one submission).

Allele frequency attached by ClinVar (database versions not stated): ExAC 0.00001; gnomAD exomes 0.00001.
gnomAD v4.1: 7 of 1,614,010 alleles (0.00043%); highest among the groups gnomAD compares: Admixed American, 0.005%; no homozygotes.

Submission:

Labcorp Genetics (formerly Invitae), Labcorp
Classification: Uncertain significance. Last evaluated: 2022-08-21. Review status: criteria provided, single submitter. Criteria: Invitae Variant Classification Sherloc (09022015). Collection method: clinical testing. Allele origin: germline.
Comment: In summary, the available evidence is currently insufficient to determine the role of this variant in disease. Therefore, it has been classified as a Variant of Uncertain Significance. Algorithms developed to predict the effect of missense changes on protein structure and function (SIFT, PolyPhen-2, Align-GVGD) all suggest that this variant is likely to be tolerated. This variant has not been reported in the literature in individuals affected with STN1-related conditions. This variant is present in population databases (rs758150440, gnomAD 0.009%). This sequence change replaces methionine, which is neutral and non-polar, with valine, which is neutral and non-polar, at codon 361 of the STN1 protein (p.Met361Val).

NM_024928.5(STN1):c.1081A>G (p.Met361Val)

Gene: STN1 (STN1 subunit of CST complex; minus strand). Cytogenetic location: 10q24.33.
Variant type: single nucleotide variant.
Coding change: c.1081A>G on transcript NM_024928.5 (MANE Select); coding-DNA position 1081, A replaced by G.
Protein change: p.Met361Val; replaces methionine 361 with valine.
Molecular consequence: missense variant.
Genome position (GRCh38, 1-based): chr10:103,882,710, T>C on the plus strand (A>G on the coding strand, the complement: STN1 is on the minus strand). VCF-style: chr10-103882710-T-C. GRCh37 (hg19) VCF-style: chr10-105642468-T-C.
Other names: short protein forms M361V.
Identifiers: ClinVar variation 2420888 (VCV002420888.4), dbSNP rs758150440, ClinGen allele CA5676412.